The following is an entry in ClinVar:

NM_182961.4(SYNE1):c.11581-126A>G

Gene: SYNE1 (spectrin repeat containing nuclear envelope protein 1; minus strand). Cytogenetic location: 6q25.2.
Variant type: single nucleotide variant.
Coding change: c.11581-126A>G on transcript NM_182961.4 (MANE Select); 126 bases into the intron before coding-DNA position 11581, A replaced by G.
Molecular consequence: intron variant.
Genome position (GRCh38, 1-based): chr6:152,350,896, T>C on the plus strand (A>G on the coding strand, the complement: SYNE1 is on the minus strand). VCF-style: chr6-152350896-T-C. GRCh37 (hg19) VCF-style: chr6-152672031-T-C.
Other names: c.11536-126A>G (NM_033071.5).
Identifiers: ClinVar variation 670169 (VCV000670169.1), dbSNP rs9478322, ClinGen allele CA12417568.
Genomic context (GRCh38, chr6:152,350,896, plus strand): 5'-TCCCATGGTATGCAAGAGATGATCTACCTCAAAGAAAGATTGTTCATATTTATGAAGCAA[T>C]AGGTGCAAGACATTAAAGAGAGAGTGATTTATTAAGACGAATACAGTTTCTAAATACAAC-3'

ClinVar aggregate classification (germline): Benign (1 of 4 stars; one submission).

Allele frequency attached by ClinVar (database versions not stated): 1000 Genomes Project 0.57149; 1000 Genomes Project 30x 0.57417; gnomAD 0.58035 and 0.58037; TOPMed 0.58534; gnomAD exomes 0.59719.
gnomAD v4.1: 693,702 of 1,166,010 alleles (59%); highest among the groups gnomAD compares: East Asian, 64%; 206,997 homozygotes.

Submission:

GeneDx
Classification: Benign. Last evaluated: 2018-06-14. Review status: criteria provided, single submitter. Criteria: GeneDx Variant Classification (06012015). Collection method: clinical testing. Allele origin: germline. Affected: yes.
Comment: This variant is considered likely benign or benign based on one or more of the following criteria: it is a conservative change, it occurs at a poorly conserved position in the protein, it is predicted to be benign by multiple in silico algorithms, and/or has population frequency not consistent with disease.